The following is an entry in ClinVar:

ClinVar aggregate classification (germline): Uncertain significance (1 of 4 stars; one submission).

Conditions:
Hereditary cancer-predisposing syndrome. Also called: Tumor predisposition; Hereditary neoplastic syndrome; Hereditary Cancer Syndrome; Neoplastic Syndromes, Hereditary. Identifiers: Orphanet 140162, MedGen C0027672, MeSH D009386, MONDO:0015356.

gnomAD v4.1: 1 of 1,593,382 alleles (0.000063%); highest among the groups gnomAD compares: Non-Finnish European, 0.000085%; no homozygotes.

Submission:

Ambry Genetics
Classification: Uncertain significance for Hereditary cancer-predisposing syndrome. Last evaluated: 2023-12-14. Review status: criteria provided, single submitter. Criteria: Ambry Variant Classification Scheme 2023. Collection method: clinical testing. Allele origin: germline.
Comment: The p.C1071Y variant (also known as c.3212G>A), located in coding exon 25 of the POLD1 gene, results from a G to A substitution at nucleotide position 3212. The cysteine at codon 1071 is replaced by tyrosine, an amino acid with highly dissimilar properties. This amino acid position is conserved. In addition, this alteration is predicted to be deleterious by in silico analysis. Since supporting evidence is limited at this time, the clinical significance of this alteration remains unclear.

NM_002691.4(POLD1):c.3212G>A (p.Cys1071Tyr)

Gene: POLD1 (DNA polymerase delta 1, catalytic subunit; plus strand). Cytogenetic location: 19q13.33.
Variant type: single nucleotide variant.
Coding change: c.3212G>A on transcript NM_002691.4 (MANE Select); coding-DNA position 3212, G replaced by A.
Protein change: p.Cys1071Tyr; replaces cysteine 1071 with tyrosine.
Molecular consequence: missense variant. On other transcripts: non-coding transcript variant (1).
Genome position (GRCh38, 1-based): chr19:50,417,263, G>A. VCF-style: chr19-50417263-G-A. GRCh37 (hg19) VCF-style: chr19-50920520-G-A.
Other names: c.3212G>A, p.Cys1071Tyr (NM_001256849.1); c.3290G>A, p.Cys1097Tyr (NM_001308632.1); short protein forms C1071Y, C1097Y.
Identifiers: ClinVar variation 3222734 (VCV003222734.1), dbSNP rs2122509336, ClinGen allele CA406987555.